The following is an entry in ClinVar:

NM_001382567.1(STIM1):c.1571C>G (p.Pro524Arg)

Gene: STIM1 (stromal interaction molecule 1; plus strand). Cytogenetic location: 11p15.4.
Variant type: single nucleotide variant.
Coding change: c.1571C>G on transcript NM_001382567.1 (MANE Select); coding-DNA position 1571, C replaced by G.
Protein change: p.Pro524Arg; replaces proline 524 with arginine.
Molecular consequence: missense variant. On other transcripts: non-coding transcript variant (3).
Genome position (GRCh38, 1-based): chr11:4,086,480, C>G. VCF-style: chr11-4086480-C-G. GRCh37 (hg19) VCF-style: chr11-4107710-C-G.
Other names: c.1256C>G, p.Pro419Arg (NM_001382579.1, NM_001382575.1, NM_001382576.1 and 3 more transcripts); c.989C>G, p.Pro330Arg (NM_001382580.1, NM_001382581.1); c.1478C>G, p.Pro493Arg (NM_003156.4, NM_001277961.3, NM_001277962.2); c.1499C>G, p.Pro500Arg (NM_001382568.1); c.1343C>G, p.Pro448Arg (NM_001382569.1); c.1250C>G, p.Pro417Arg (NM_001382570.1); c.998C>G, p.Pro333Arg (NM_001382571.1); short protein forms P330R, P493R, P524R, P333R, P417R, P419R, P448R, P500R.
Identifiers: ClinVar variation 4794535 (VCV004794535.1).

ClinVar aggregate classification (germline): Uncertain significance (1 of 4 stars; one submission).

Conditions:
Stormorken syndrome (STRMK). Also called: THROMBOCYTOPATHY, ASPLENIA, AND MIOSIS. Identifiers: Orphanet 3204, MedGen C1861451, MONDO:0008497, OMIM 185070.
Combined immunodeficiency due to STIM1 deficiency. Also called: IMMUNODEFICIENCY 10; STIM1 DEFICIENCY. Identifiers: Orphanet 169090, Orphanet 317430, MedGen C2748557, MONDO:0013008, OMIM 612783.
Myopathy with tubular aggregates (TAM). Also called: Tubular Aggregate Myopathy. Identifiers: Orphanet 2593, MedGen C0410207, MONDO:0008051.

Submission:

Labcorp Genetics (formerly Invitae), Labcorp
Classification: Uncertain significance for Myopathy with tubular aggregates; Combined immunodeficiency due to STIM1 deficiency; Stormorken syndrome. Last evaluated: 2025-10-21. Review status: criteria provided, single submitter. Criteria: Invitae Variant Classification Sherloc (09022015). Collection method: clinical testing. Allele origin: germline.
Comment: This sequence change replaces proline, which is neutral and non-polar, with arginine, which is basic and polar, at codon 493 of the STIM1 protein (p.Pro493Arg). This variant is present in population databases (rs762929975, gnomAD 0.002%). This variant has not been reported in the literature in individuals affected with STIM1-related conditions. Invitae Evidence Modeling of protein sequence and biophysical properties (such as structural, functional, and spatial information, amino acid conservation, physicochemical variation, residue mobility, and thermodynamic stability) has been performed for this missense variant. However, the output from this modeling did not meet the statistical confidence thresholds required to predict the impact of this variant on STIM1 protein function. In summary, the available evidence is currently insufficient to determine the role of this variant in disease. Therefore, it has been classified as a Variant of Uncertain Significance.